The following is an entry in ClinVar:

ClinVar aggregate classification (germline): Uncertain significance (1 of 4 stars; one submission).

Conditions:
PHGDH deficiency. Identifiers: Orphanet 79351, MedGen C1866174, MONDO:0011152, OMIM 601815.

Allele frequency attached by ClinVar (database versions not stated): gnomAD exomes below 0.00001; ExAC 0.00001.
gnomAD v4.1: 2 of 1,611,706 alleles (0.00012%); highest among the groups gnomAD compares: South Asian, 0.0022%; no homozygotes.

Submission:

Labcorp Genetics (formerly Invitae), Labcorp
Classification: Uncertain significance for PHGDH deficiency. Last evaluated: 2022-07-05. Review status: criteria provided, single submitter. Criteria: Invitae Variant Classification Sherloc (09022015). Collection method: clinical testing. Allele origin: germline.
Comment: This sequence change replaces proline, which is neutral and non-polar, with serine, which is neutral and polar, at codon 475 of the PHGDH protein (p.Pro475Ser). This variant is present in population databases (rs757928289, gnomAD 0.003%). This variant has not been reported in the literature in individuals affected with PHGDH-related conditions. ClinVar contains an entry for this variant (Variation ID: 1429208). Algorithms developed to predict the effect of missense changes on protein structure and function (SIFT, PolyPhen-2, Align-GVGD) all suggest that this variant is likely to be tolerated. In summary, the available evidence is currently insufficient to determine the role of this variant in disease. Therefore, it has been classified as a Variant of Uncertain Significance.

NM_006623.4(PHGDH):c.1423C>T (p.Pro475Ser)

Gene: PHGDH (phosphoglycerate dehydrogenase; plus strand). Cytogenetic location: 1p12.
Variant type: single nucleotide variant.
Coding change: c.1423C>T on transcript NM_006623.4 (MANE Select); coding-DNA position 1423, C replaced by T.
Protein change: p.Pro475Ser; replaces proline 475 with serine.
Molecular consequence: missense variant.
Genome position (GRCh38, 1-based): chr1:119,743,020, C>T. VCF-style: chr1-119743020-C-T. GRCh37 (hg19) VCF-style: chr1-120285643-C-T.
Other names: short protein forms P475S.
Identifiers: ClinVar variation 1429208 (VCV001429208.3), dbSNP rs757928289, ClinGen allele CA1037452.